The following is an entry in ClinVar:

ClinVar aggregate classification (germline): Uncertain significance (1 of 4 stars; one submission).

Conditions:
Hereditary pancreatitis (PCTT). Also called: Hereditary chronic pancreatitis; PRSS1-Related Hereditary Pancreatitis. Identifiers: Orphanet 676, MedGen C0238339, MONDO:0008185, OMIM 167800.

Submission:

Labcorp Genetics (formerly Invitae), Labcorp
Classification: Uncertain significance for Hereditary pancreatitis. Last evaluated: 2019-06-26. Review status: criteria provided, single submitter. Criteria: Invitae Variant Classification Sherloc (09022015). Collection method: clinical testing. Allele origin: germline.
Comment: A gross deletion of the genomic region encompassing the full coding sequence of the PRSS1 gene has been identified. The boundaries of this event are unknown as the deletion extends beyond the assayed region for this gene and therefore may encompass additional genes. This variant has not been reported in the literature in individuals with PRSS1-related conditions. The current clinical and genetic evidence is not sufficient to establish whether loss-of-function variants in PRSS1 cause disease. In summary, the available evidence is currently insufficient to determine the role of this variant in disease. Therefore, it has been classified as a Variant of Uncertain Significance.

NC_000007.14:g.(?_142749281)_(142753040_?)del

Genes: TRB (T cell receptor beta locus; plus strand), PRSS1 (serine protease 1; plus strand). Cytogenetic location: 7q34.
Variant type: Deletion.
Identifiers: ClinVar variation 830494 (VCV000830494.1).